The following is an entry in ClinVar:

NM_014263.4(YME1L1):c.168+1301G>A

Gene: YME1L1 (YME1 like 1 ATPase; minus strand). Cytogenetic location: 10p12.1.
Variant type: single nucleotide variant.
Coding change: c.168+1301G>A on transcript NM_014263.4 (MANE Select); 1301 bases into the intron after coding-DNA position 168, G replaced by A.
Molecular consequence: intron variant. On other transcripts: missense variant (1).
Genome position (GRCh38, 1-based): chr10:27,147,605, C>T on the plus strand (G>A on the coding strand, the complement: YME1L1 is on the minus strand). VCF-style: chr10-27147605-C-T. GRCh37 (hg19) VCF-style: chr10-27436534-C-T.
Other names: c.232G>A, p.Glu78Lys (NM_139312.3); c.168+1301G>A (NM_001253866.2); short protein forms E78K.
Identifiers: ClinVar variation 4699942 (VCV004699942.1).

ClinVar aggregate classification (germline): Uncertain significance (1 of 4 stars; one submission).

gnomAD v4.1: 3 of 1,566,152 alleles (0.00019%); highest among the groups gnomAD compares: East Asian, 0.0048%; no homozygotes.

Submission:

Labcorp Genetics (formerly Invitae), Labcorp
Classification: Uncertain significance. Last evaluated: 2025-04-17. Review status: criteria provided, single submitter. Criteria: Invitae Variant Classification Sherloc (09022015). Collection method: clinical testing. Allele origin: germline.
Comment: This sequence change replaces glutamic acid, which is acidic and polar, with lysine, which is basic and polar, at codon 78 of the YME1L1 protein (p.Glu78Lys). This variant is present in population databases (rs374585767, gnomAD 0.009%). This variant has not been reported in the literature in individuals affected with YME1L1-related conditions. An algorithm developed to predict the effect of missense changes on protein structure and function (PolyPhen-2) suggests that this variant is likely to be tolerated. In summary, the available evidence is currently insufficient to determine the role of this variant in disease. Therefore, it has been classified as a Variant of Uncertain Significance.